The following is an entry in ClinVar:

ClinVar aggregate classification (germline): Uncertain significance (1 of 4 stars; one submission).

Conditions:
Muscular dystrophy-dystroglycanopathy (congenital with brain and eye anomalies), type A13. Also called: WALKER-WARBURG SYNDROME OR MUSCLE-EYE-BRAIN DISEASE, B3GNT1-RELATED; Muscular dystrophy-dystroglycanopathy (congenital with brain and eye anomalies), type a, 13. Identifiers: Orphanet 899, MedGen C3809042, MONDO:0014120, OMIM 615287.

Allele frequency attached by ClinVar (database versions not stated): TOPMed below 0.00001.

Submission:

Labcorp Genetics (formerly Invitae), Labcorp
Classification: Uncertain significance for Muscular dystrophy-dystroglycanopathy (congenital with brain and eye anomalies), type A13. Last evaluated: 2020-06-27. Review status: criteria provided, single submitter. Criteria: Invitae Variant Classification Sherloc (09022015). Collection method: clinical testing. Allele origin: germline.
Comment: This sequence change replaces proline with serine at codon 51 of the B4GAT1 protein (p.Pro51Ser). The proline residue is moderately conserved and there is a moderate physicochemical difference between proline and serine. In summary, the available evidence is currently insufficient to determine the role of this variant in disease. Therefore, it has been classified as a Variant of Uncertain Significance. Algorithms developed to predict the effect of missense changes on protein structure and function (SIFT, PolyPhen-2, Align-GVGD) all suggest that this variant is likely to be tolerated, but these predictions have not been confirmed by published functional studies and their clinical significance is uncertain. This variant has not been reported in the literature in individuals with B4GAT1-related disease. This variant is not present in population databases (ExAC no frequency).

NM_006876.3(B4GAT1):c.151C>T (p.Pro51Ser)

Gene: B4GAT1 (beta-1,4-glucuronyltransferase 1; minus strand). Cytogenetic location: 11q13.2.
Variant type: single nucleotide variant.
Coding change: c.151C>T on transcript NM_006876.3 (MANE Select); coding-DNA position 151, C replaced by T.
Protein change: p.Pro51Ser; replaces proline 51 with serine.
Molecular consequence: missense variant.
Genome position (GRCh38, 1-based): chr11:66,347,395, G>A on the plus strand (C>T on the coding strand, the complement: B4GAT1 is on the minus strand). VCF-style: chr11-66347395-G-A. GRCh37 (hg19) VCF-style: chr11-66114866-G-A.
Other names: short protein forms P51S.
Identifiers: ClinVar variation 1019556 (VCV001019556.8), dbSNP rs1272704626, ClinGen allele CA381418981.